The following is an entry in ClinVar:

NM_018238.4(AGK):c.426T>A (p.Ala142=)

Gene: AGK (acylglycerol kinase; plus strand). Cytogenetic location: 7q34.
Variant type: single nucleotide variant.
Coding change: c.426T>A on transcript NM_018238.4 (MANE Select); coding-DNA position 426, T replaced by A.
Protein change: p.Ala142=; no amino-acid change (alanine 142 retained).
Molecular consequence: synonymous variant.
Genome position (GRCh38, 1-based): chr7:141,615,473, T>A. VCF-style: chr7-141615473-T-A. GRCh37 (hg19) VCF-style: chr7-141315273-T-A.
Other names: c.426T>A, p.Ala142= (NM_001364948.3).
Identifiers: ClinVar variation 4823241 (VCV004823241.4).

ClinVar aggregate classification (germline): Likely benign (1 of 4 stars; one submission).

Submission:

CeGaT Center for Human Genetics Tuebingen
Classification: Likely benign. Last evaluated: 2026-01-01. Review status: criteria provided, single submitter. Criteria: CeGaT Center For Human Genetics Tuebingen Variant Classification Criteria Version 2. Collection method: clinical testing. Allele origin: germline. Affected: yes. Observed: 1 variant allele.
Comment: AGK: PM2:Supporting, BP4, BP7